The following is an entry in ClinVar:

NM_001563.4(IMPG1):c.713T>C (p.Leu238Pro)

Gene: IMPG1 (interphotoreceptor matrix proteoglycan 1; minus strand). Cytogenetic location: 6q14.1.
Variant type: single nucleotide variant.
Coding change: c.713T>C on transcript NM_001563.4 (MANE Select); coding-DNA position 713, T replaced by C.
Protein change: p.Leu238Pro; replaces leucine 238 with proline.
Molecular consequence: missense variant.
Genome position (GRCh38, 1-based): chr6:76,018,812, A>G on the plus strand (T>C on the coding strand, the complement: IMPG1 is on the minus strand). VCF-style: chr6-76018812-A-G. GRCh37 (hg19) VCF-style: chr6-76728529-A-G.
Other names: c.479T>C, p.Leu160Pro (NM_001282368.2); short protein forms L160P, L238P.
Identifiers: ClinVar variation 865770 (VCV000865770.12), dbSNP rs713993045, ClinGen allele CA364778986.

ClinVar aggregate classification (germline): Conflicting classifications of pathogenicity. Review status: criteria provided, conflicting classifications (1 of 4 stars). 3 submissions from 3 submitters: Likely pathogenic (2); Uncertain significance (1). Last evaluated 2024-03-09.

Conditions:
IMPG1-related disorder. Also called: IMPG1-related condition.
Retinal dystrophy. Also called: Inherited retinal dystrophy. Identifiers: Orphanet 71862, MedGen C0854723, MeSH D058499, MONDO:0019118, HP:0000556.

Submissions (3):

Labcorp Genetics (formerly Invitae), Labcorp
Classification: Uncertain significance. Last evaluated: 2024-03-09. Review status: criteria provided, single submitter. Criteria: Invitae Variant Classification Sherloc (09022015). Collection method: clinical testing. Allele origin: germline.
Comment: This sequence change replaces leucine, which is neutral and non-polar, with proline, which is neutral and non-polar, at codon 238 of the IMPG1 protein (p.Leu238Pro). This variant is not present in population databases (gnomAD no frequency). This missense change has been observed in individuals with clinical features of vitelliform macular dystrophy (PMID: 28644393; Invitae). ClinVar contains an entry for this variant (Variation ID: 865770). An algorithm developed to predict the effect of missense changes on protein structure and function (PolyPhen-2) suggests that this variant is likely to be disruptive. This variant disrupts the p.Leu238 amino acid residue in IMPG1. Other variant(s) that disrupt this residue have been determined to be pathogenic (PMID: 23993198). This suggests that this residue is clinically significant, and that variants that disrupt this residue are likely to be disease-causing. In summary, the available evidence is currently insufficient to determine the role of this variant in disease. Therefore, it has been classified as a Variant of Uncertain Significance.

Blueprint Genetics
Classification: Likely pathogenic for IMPG1-related disorders. Last evaluated: 2018-08-31. Review status: criteria provided, single submitter. Criteria: ACMG Guidelines, 2015. Collection method: clinical testing. Allele origin: germline. Affected: yes. Observed: 2 variant alleles.

Institute of Human Genetics, Univ. Regensburg, Univ. Regensburg
Classification: Likely pathogenic for Retinal dystrophy. Last evaluated: 2015-01-01. Review status: criteria provided, single submitter. Criteria: ACMG Guidelines, 2015. Collection method: clinical testing. Allele origin: germline. Affected: yes.

Literature cited by the submitters: PubMed 28644393 (cited by Labcorp Genetics (formerly Invitae), Labcorp and Institute of Human Genetics, Univ. Regensburg, Univ. Regensburg); PubMed 23993198 (cited by Labcorp Genetics (formerly Invitae), Labcorp).